The following is an entry in ClinVar:

NM_018136.5(ASPM):c.4119_4122del (p.Tyr1372_Tyr1373insTer)

Gene: ASPM (assembly factor for spindle microtubules; minus strand). Cytogenetic location: 1q31.3.
Variant type: Deletion.
Coding change: c.4119_4122del on transcript NM_018136.5 (MANE Select); coding-DNA positions 4119 to 4122, 4 bases deleted (TTCA; older notation c.4119_4122delTTCA).
Protein change: p.Tyr1372_Tyr1373insTer.
Molecular consequence: nonsense. On other transcripts: intron variant (1).
Genome position (GRCh38, 1-based): chr1:197,105,129-197,105,132, TGAA deleted on the plus strand (TTCA on the coding strand, the reverse complement: ASPM is on the minus strand); deleting any 4 consecutive bases within chr1:197,105,129-197,105,133 gives the same sequence; the c. name uses the placement nearest the transcript's 3' end. VCF-style (leftmost placement, unchanged base first): chr1-197105128-TTGAA-T. GRCh37 (hg19) VCF-style: chr1-197074258-TTGAA-T.
Other names: c.4066-8968_4066-8965del (NM_001206846.2).
Identifiers: ClinVar variation 4813828 (VCV004813828.1).

ClinVar aggregate classification (germline): Pathogenic (1 of 4 stars; one submission).

Conditions:
Developmental and epileptic encephalopathy 116. Identifiers: MedGen C5935615, MONDO:0970945, OMIM 620806.

Submission:

Variantyx, Inc.
Classification: Pathogenic for Developmental and epileptic encephalopathy 116. Last evaluated: 2025-08-21. Review status: criteria provided, single submitter. Criteria: Variantyx Assertion Criteria 2022. Collection method: clinical testing. Allele origin: germline. Inheritance: Autosomal recessive inheritance. Affected: yes.
Comment: This is a frameshift variant in the ASPM gene (OMIM: 605481). Pathogenic variants in this gene have been associated with autosomal recessive primary microcephaly 5. This variant introduces a premature termination codon in exon 18 out of 28 and is expected to result in loss of function, which is a known disease mechanism for ASPM in this disorder (PMID: 19028728, 23611254) (PVS1). Based on the current evidence, this variant is classified as pathogenic for autosomal recessive primary microcephaly 5.

Literature cited by the submitters: PubMed 19028728; PubMed 23611254.